The following is an entry in ClinVar:

ClinVar aggregate classification (germline): Conflicting classifications of pathogenicity. Review status: criteria provided, conflicting classifications (1 of 4 stars). 4 submissions from 4 submitters: Uncertain significance (3); Likely benign (1). Last evaluated 2024-05-26.

Conditions:
Hereditary cancer-predisposing syndrome. Also called: Hereditary neoplastic syndrome; Tumor predisposition; Neoplastic Syndromes, Hereditary; Hereditary Cancer Syndrome. Identifiers: Orphanet 140162, MedGen C0027672, MeSH D009386, MONDO:0015356.
Peutz-Jeghers syndrome (PJS). Also called: Peutz-Jeghers polyposis; Periorificial lentiginosis syndrome; POLYPOSIS, HAMARTOMATOUS INTESTINAL; POLYPS-AND-SPOTS SYNDROME. Identifiers: Orphanet 2869, MedGen C0031269, MeSH D010580, MONDO:0008280, OMIM 175200.

Allele frequency attached by ClinVar (database versions not stated): gnomAD exomes below 0.00001.
gnomAD v4.1: 1 of 1,607,126 alleles (0.000062%); highest among the groups gnomAD compares: East Asian, 0.0022%; no homozygotes.

Submissions (4):

Labcorp Genetics (formerly Invitae), Labcorp
Classification: Uncertain significance for Peutz-Jeghers syndrome. Last evaluated: 2024-05-26. Review status: criteria provided, single submitter. Criteria: Invitae Variant Classification Sherloc (09022015). Collection method: clinical testing. Allele origin: germline.
Comment: This sequence change replaces lysine, which is basic and polar, with arginine, which is basic and polar, at codon 287 of the STK11 protein (p.Lys287Arg). This variant is present in population databases (no rsID available, gnomAD 0.006%). This variant has not been reported in the literature in individuals affected with STK11-related conditions. ClinVar contains an entry for this variant (Variation ID: 858846). Algorithms developed to predict the effect of missense changes on protein structure and function output the following: SIFT: "Not Available"; PolyPhen-2: "Benign"; Align-GVGD: "Not Available". The arginine amino acid residue is found in multiple mammalian species, which suggests that this missense change does not adversely affect protein function. In summary, the available evidence is currently insufficient to determine the role of this variant in disease. Therefore, it has been classified as a Variant of Uncertain Significance.

Color Diagnostics, LLC DBA Color Health
Classification: Uncertain significance for Hereditary cancer-predisposing syndrome. Last evaluated: 2024-02-18. Review status: criteria provided, single submitter. Criteria: ACMG Guidelines, 2015. Collection method: clinical testing. Allele origin: germline.
Comment: This missense variant replaces lysine with arginine at codon 287 of the STK11 protein. Computational prediction suggests that this variant may not impact protein structure and function (internally defined REVEL score threshold <= 0.5, PMID: 27666373). To our knowledge, functional studies have not been reported for this variant. This variant has not been reported in individuals affected with STK11-related disorders in the literature. This variant has been identified in 1/238004 chromosomes in the general population by the Genome Aggregation Database (gnomAD). The available evidence is insufficient to determine the role of this variant in disease conclusively. Therefore, this variant is classified as a Variant of Uncertain Significance.

All of Us Research Program, National Institutes of Health
Classification: Uncertain significance for Peutz-Jeghers syndrome. Last evaluated: 2023-12-15. Review status: criteria provided, single submitter. Criteria: ACMG Guidelines, 2015. Collection method: clinical testing. Allele origin: germline. Inheritance: Autosomal dominant inheritance. Observed: 1 variant allele, 1 heterozygote.
Comment: This study involves interpretation of variants in research participants for the purpose of population health screening. Participant phenotype was not available at the time of variant classification. Additional details can be found in publication PMID: 35346344, PMCID: PMC8962531

Ambry Genetics
Classification: Likely benign for Hereditary cancer-predisposing syndrome. Last evaluated: 2020-02-06. Review status: criteria provided, single submitter. Criteria: Ambry Variant Classification Scheme 2023. Collection method: clinical testing. Allele origin: germline.

NM_000455.5(STK11):c.860A>G (p.Lys287Arg)

Gene: STK11 (serine/threonine kinase 11; plus strand). Cytogenetic location: 19p13.3.
Variant type: single nucleotide variant.
Coding change: c.860A>G on transcript NM_000455.5 (MANE Select); coding-DNA position 860, A replaced by G.
Protein change: p.Lys287Arg; replaces lysine 287 with arginine.
Molecular consequence: missense variant.
Genome position (GRCh38, 1-based): chr19:1,221,338, A>G. VCF-style: chr19-1221338-A-G. GRCh37 (hg19) VCF-style: chr19-1221337-A-G.
Other names: short protein forms K287R.
Identifiers: ClinVar variation 858846 (VCV000858846.14), dbSNP rs1349316725, ClinGen allele CA402950772.